The following is an entry in ClinVar:

ClinVar aggregate classification (germline): Benign/Likely benign. Review status: criteria provided, multiple submitters, no conflicts (2 of 4 stars). 3 submissions from 3 submitters: Benign (1); Likely benign (2). Last evaluated 2026-07-01.

Conditions:
Sessile serrated polyposis cancer syndrome (SSPCS). Identifiers: Orphanet 157798, MedGen C4310714, MONDO:0014919, OMIM 617108.

gnomAD v4.1: 2 of 1,613,966 alleles (0.00012%); highest among the groups gnomAD compares: Admixed American, 0.0033%; no homozygotes.

Submissions (3):

Myriad Genetics, Inc.
Classification: Benign for Sessile serrated polyposis cancer syndrome. Last evaluated: 2026-07-01. Review status: criteria provided, single submitter. Criteria: Myriad Autosomal Dominant, Autosomal Recessive and X-Linked Classification Criteria (2023). Collection method: clinical testing. Allele origin: unknown.
Comment: This variant is considered benign. This variant is a silent/synonymous amino acid change and it is not expected to impact splicing.

Ambry Genetics
Classification: Likely benign. Last evaluated: 2025-06-20. Review status: criteria provided, single submitter. Criteria: Ambry Variant Classification Scheme 2023. Collection method: clinical testing. Allele origin: germline.

Labcorp Genetics (formerly Invitae), Labcorp
Classification: Likely benign. Last evaluated: 2024-04-21. Review status: criteria provided, single submitter. Criteria: Invitae Variant Classification Sherloc (09022015). Collection method: clinical testing. Allele origin: germline.

NM_017763.6(RNF43):c.1305A>G (p.Leu435=)

Gene: RNF43 (ring finger protein 43; minus strand). Cytogenetic location: 17q22.
Variant type: single nucleotide variant.
Coding change: c.1305A>G on transcript NM_017763.6 (MANE Select); coding-DNA position 1305, A replaced by G.
Protein change: p.Leu435=; no amino-acid change (leucine 435 retained).
Molecular consequence: synonymous variant.
Genome position (GRCh38, 1-based): chr17:58,358,471, T>C on the plus strand (A>G on the coding strand, the complement: RNF43 is on the minus strand). VCF-style: chr17-58358471-T-C. GRCh37 (hg19) VCF-style: chr17-56435832-T-C.
Other names: c.1305A>G, p.Leu435= (NM_001305544.3); c.924A>G, p.Leu308= (NM_001305545.2); c.1305A>G (NM_017763.4).
Identifiers: ClinVar variation 3715548 (VCV003715548.4).